The following is an entry in ClinVar:

ClinVar aggregate classification (germline): Uncertain significance. Review status: criteria provided, multiple submitters, no conflicts (2 of 4 stars). 3 submissions from 3 submitters: Uncertain significance (3). Last evaluated 2025-12-14.

Conditions:
Inborn genetic diseases. Identifiers: MedGen C0950123, MeSH D030342.
Acute myeloid leukemia (AML). Also called: Acute myeloid leukemia, adult; AML adult; Acute non-lymphocytic leukemia; Acute granulocytic leukemia; Leukemia, acute myelogenous, somatic; Leukemia, acute myeloid, somatic. Identifiers: Orphanet 519, MedGen C0023467, MeSH D015470, MONDO:0018874, OMIM 601626, HP:0004808. Disease mechanism: Constitutively activated FLT3.

gnomAD v4.1: 4 of 1,306,896 alleles (0.00031%); highest among the groups gnomAD compares: South Asian, 0.005%; no homozygotes.

Submissions (3):

Ambry Genetics
Classification: Uncertain significance for Inborn genetic diseases. Last evaluated: 2025-12-14. Review status: criteria provided, single submitter. Criteria: Ambry Variant Classification Scheme 2023. Collection method: clinical testing. Allele origin: germline.
Comment: The p.P13S variant (also known as c.37C>T), located in coding exon 1 of the CEBPA gene, results from a C to T substitution at nucleotide position 37. The proline at codon 13 is replaced by serine, an amino acid with similar properties. This amino acid position is conserved. In addition, this alteration is predicted to be tolerated by in silico analysis. Based on the available evidence, the clinical significance of this variant remains unclear.

Genomic Medicine Center of Excellence, King Faisal Specialist Hospital and Research Centre
Classification: Uncertain significance for Acute myeloid leukemia. Last evaluated: 2025-09-10. Review status: criteria provided, single submitter. Criteria: ACMG Guidelines, 2015. Collection method: clinical testing. Allele origin: germline.

Labcorp Genetics (formerly Invitae), Labcorp
Classification: Uncertain significance for Acute myeloid leukemia. Last evaluated: 2023-05-30. Review status: criteria provided, single submitter. Criteria: Invitae Variant Classification Sherloc (09022015). Collection method: clinical testing. Allele origin: germline.
Comment: In summary, the available evidence is currently insufficient to determine the role of this variant in disease. Therefore, it has been classified as a Variant of Uncertain Significance. An algorithm developed to predict the effect of missense changes on protein structure and function (PolyPhen-2) suggests that this variant is likely to be disruptive. ClinVar contains an entry for this variant (Variation ID: 943532). This variant has not been reported in the literature in individuals affected with CEBPA-related conditions. This variant is not present in population databases (gnomAD no frequency). This sequence change replaces proline, which is neutral and non-polar, with serine, which is neutral and polar, at codon 13 of the CEBPA protein (p.Pro13Ser).

NM_004364.5(CEBPA):c.37C>T (p.Pro13Ser)

Genes: CEBPA (CCAAT enhancer binding protein alpha; minus strand), LOC130064183 (ATAC-STARR-seq lymphoblastoid silent region 10495; plus strand). Cytogenetic location: 19q13.11.
Variant type: single nucleotide variant.
Coding change: c.37C>T on transcript NM_004364.5 (MANE Select); coding-DNA position 37, C replaced by T.
Protein change: p.Pro13Ser; replaces proline 13 with serine.
Molecular consequence: missense variant. On other transcripts: 5 prime UTR variant (2).
Genome position (GRCh38, 1-based): chr19:33,302,378, G>A on the plus strand (C>T on the coding strand, the complement: CEBPA is on the minus strand). VCF-style: chr19-33302378-G-A. GRCh37 (hg19) VCF-style: chr19-33793284-G-A.
Other names: c.37C>T (NM_004364.3); c.-321C>T (NM_001285829.2); c.142C>T, p.Pro48Ser (NM_001287424.2); c.-6C>T (NM_001287435.2); short protein forms P13S, P48S.
Identifiers: ClinVar variation 943532 (VCV000943532.12), dbSNP rs961496947, ClinGen allele CA405275812.